The following is an entry in ClinVar:

NM_004655.4(AXIN2):c.1042T>A (p.Ser348Thr)

Gene: AXIN2 (axin 2; minus strand). Cytogenetic location: 17q24.1.
Variant type: single nucleotide variant.
Coding change: c.1042T>A on transcript NM_004655.4 (MANE Select); coding-DNA position 1042, T replaced by A.
Protein change: p.Ser348Thr; replaces serine 348 with threonine.
Molecular consequence: missense variant.
Genome position (GRCh38, 1-based): chr17:65,541,472, A>T on the plus strand (T>A on the coding strand, the complement: AXIN2 is on the minus strand). VCF-style: chr17-65541472-A-T. GRCh37 (hg19) VCF-style: chr17-63537590-A-T.
Other names: c.1042T>A (NM_004655.3); c.1042T>A, p.Ser348Thr (NM_001363813.1); short protein forms S348T.
Identifiers: ClinVar variation 1418924 (VCV001418924.9), dbSNP rs142726686, ClinGen allele CA293100337.

ClinVar aggregate classification (germline): Uncertain significance. Review status: criteria provided, multiple submitters, no conflicts (2 of 4 stars). 2 submissions from 2 submitters: Uncertain significance (2). Last evaluated 2025-07-03.

Conditions:
Oligodontia-cancer predisposition syndrome. Also called: TOOTH AGENESIS-COLORECTAL CANCER SYNDROME. Identifiers: Orphanet 300576, MedGen C1837750, MONDO:0012075, OMIM 608615. Disease mechanism: loss of function.
Hereditary cancer-predisposing syndrome. Also called: Neoplastic Syndromes, Hereditary; Hereditary Cancer Syndrome; Hereditary neoplastic syndrome; Tumor predisposition. Identifiers: Orphanet 140162, MedGen C0027672, MeSH D009386, MONDO:0015356.

Allele frequency attached by ClinVar (database versions not stated): TOPMed 0.00002; ESP Exome Variant Server 0.00008.

Submissions (2):

Ambry Genetics
Classification: Uncertain significance for Hereditary cancer-predisposing syndrome. Last evaluated: 2025-07-03. Review status: criteria provided, single submitter. Criteria: Ambry Variant Classification Scheme 2023. Collection method: clinical testing. Allele origin: germline.
Comment: The p.S348T variant (also known as c.1042T>A), located in coding exon 3 of the AXIN2 gene, results from a T to A substitution at nucleotide position 1042. The serine at codon 348 is replaced by threonine, an amino acid with similar properties. This amino acid position is conserved. In addition, this alteration is predicted to be tolerated by in silico analysis. Based on the available evidence, the clinical significance of this variant remains unclear.

Labcorp Genetics (formerly Invitae), Labcorp
Classification: Uncertain significance for Oligodontia-cancer predisposition syndrome. Last evaluated: 2023-06-16. Review status: criteria provided, single submitter. Criteria: Invitae Variant Classification Sherloc (09022015). Collection method: clinical testing. Allele origin: germline.
Comment: In summary, the available evidence is currently insufficient to determine the role of this variant in disease. Therefore, it has been classified as a Variant of Uncertain Significance. Advanced modeling of protein sequence and biophysical properties (such as structural, functional, and spatial information, amino acid conservation, physicochemical variation, residue mobility, and thermodynamic stability) performed at Invitae indicates that this missense variant is not expected to disrupt AXIN2 protein function. ClinVar contains an entry for this variant (Variation ID: 1418924). This variant has not been reported in the literature in individuals affected with AXIN2-related conditions. This variant is not present in population databases (gnomAD no frequency). This sequence change replaces serine, which is neutral and polar, with threonine, which is neutral and polar, at codon 348 of the AXIN2 protein (p.Ser348Thr).